The following is an entry in ClinVar:

NM_000321.3(RB1):c.2383T>C (p.Ser795Pro)

Gene: RB1 (RB transcriptional corepressor 1; plus strand). Cytogenetic location: 13q14.2.
Variant type: single nucleotide variant.
Coding change: c.2383T>C on transcript NM_000321.3 (MANE Select); coding-DNA position 2383, T replaced by C.
Protein change: p.Ser795Pro; replaces serine 795 with proline.
Molecular consequence: missense variant.
Genome position (GRCh38, 1-based): chr13:48,465,262, T>C. VCF-style: chr13-48465262-T-C. GRCh37 (hg19) VCF-style: chr13-49039398-T-C.
Other names: c.2383T>C, p.Ser795Pro (NM_001407165.1); short protein forms S795P.
Identifiers: ClinVar variation 3313057 (VCV003313057.1).

ClinVar aggregate classification (germline): Uncertain significance (1 of 4 stars; one submission).

Conditions:
Hereditary cancer-predisposing syndrome. Also called: Neoplastic Syndromes, Hereditary; Tumor predisposition; Hereditary neoplastic syndrome; Hereditary Cancer Syndrome. Identifiers: Orphanet 140162, MedGen C0027672, MeSH D009386, MONDO:0015356.

Submission:

Ambry Genetics
Classification: Uncertain significance for Hereditary cancer-predisposing syndrome. Last evaluated: 2024-05-12. Review status: criteria provided, single submitter. Criteria: Ambry Variant Classification Scheme 2023. Collection method: clinical testing. Allele origin: germline.
Comment: The p.S795P variant (also known as c.2383T>C), located in coding exon 23 of the RB1 gene, results from a T to C substitution at nucleotide position 2383. The serine at codon 795 is replaced by proline, an amino acid with similar properties. This amino acid position is conserved. In addition, the in silico prediction for this alteration is inconclusive. Based on the available evidence, the clinical significance of this variant remains unclear.